The following is an entry in ClinVar:

NM_017534.6(MYH2):c.671T>A (p.Ile224Asn)

Genes: MYH2 (myosin heavy chain 2; minus strand), MYHAS (myosin heavy chain gene cluster antisense RNA; plus strand), LOC126862501 (CDK7 strongly-dependent group 2 enhancer GRCh37_chr17:10446256-10447455; plus strand). Cytogenetic location: 17p13.1.
Variant type: single nucleotide variant.
Coding change: c.671T>A on transcript NM_017534.6 (MANE Select); coding-DNA position 671, T replaced by A.
Protein change: p.Ile224Asn; replaces isoleucine 224 with asparagine.
Molecular consequence: missense variant.
Genome position (GRCh38, 1-based): chr17:10,543,781, A>T on the plus strand (T>A on the coding strand, the complement: MYH2 is on the minus strand). VCF-style: chr17-10543781-A-T. GRCh37 (hg19) VCF-style: chr17-10447098-A-T.
Other names: c.671T>A, p.Ile224Asn (NM_001100112.2); short protein forms I224N.
Identifiers: ClinVar variation 4742795 (VCV004742795.1).
Genomic context (GRCh38, chr17:10,543,781, plus strand): 5'-GAGTTGTCATTCCTCACGGTCTTGGCGTTGCCAAAGGCCTCCAGTAGGGGGTTGGCACTG[A>T]TGATTTGATCTTCCAGAGTCCCCTGCAAAGGCAAGAGCAGTCCTTGCATCTGGGGCTTGG-3'
Protein context (NP_060004.3, residues 214-234): KIQGTLEDQI[Ile224Asn]SANPLLEAFG

ClinVar aggregate classification (germline): Uncertain significance (1 of 4 stars; one submission).

Conditions:
Myopathy, proximal, and ophthalmoplegia (CMYO6). Also called: INCLUSION BODY MYOPATHY 3, AUTOSOMAL DOMINANT; CONGENITAL MYOPATHY 6 WITH OPHTHALMOPLEGIA; MYOPATHY WITH CONGENITAL JOINT CONTRACTURES, OPHTHALMOPLEGIA, AND RIMMED VACUOLES. Identifiers: Orphanet 363677, Orphanet 79091, MedGen C1854106, MONDO:0011577, OMIM 605637.

Submission:

Labcorp Genetics (formerly Invitae), Labcorp
Classification: Uncertain significance for Myopathy, proximal, and ophthalmoplegia. Last evaluated: 2025-09-30. Review status: criteria provided, single submitter. Criteria: Invitae Variant Classification Sherloc (09022015). Collection method: clinical testing. Allele origin: germline.
Comment: This sequence change replaces isoleucine, which is neutral and non-polar, with asparagine, which is neutral and polar, at codon 224 of the MYH2 protein (p.Ile224Asn). This variant is not present in population databases (gnomAD no frequency). This variant has not been reported in the literature in individuals affected with MYH2-related conditions. Invitae Evidence Modeling of protein sequence and biophysical properties (such as structural, functional, and spatial information, amino acid conservation, physicochemical variation, residue mobility, and thermodynamic stability) indicates that this missense variant is expected to disrupt MYH2 protein function with a positive predictive value of 80%. In summary, the available evidence is currently insufficient to determine the role of this variant in disease. Therefore, it has been classified as a Variant of Uncertain Significance.